The following is an entry in ClinVar:

NM_000395.3(CSF2RB):c.982G>A (p.Ala328Thr)

Gene: CSF2RB (colony stimulating factor 2 receptor subunit beta; plus strand). Cytogenetic location: 22q12.3.
Variant type: single nucleotide variant.
Coding change: c.982G>A on transcript NM_000395.3 (MANE Select); coding-DNA position 982, G replaced by A.
Protein change: p.Ala328Thr; replaces alanine 328 with threonine.
Molecular consequence: missense variant.
Genome position (GRCh38, 1-based): chr22:36,930,800, G>A. VCF-style: chr22-36930800-G-A. GRCh37 (hg19) VCF-style: chr22-37326842-G-A.
Other names: c.1000G>A, p.Ala334Thr (NM_001410827.1); short protein forms A328T, A334T.
Identifiers: ClinVar variation 2790475 (VCV002790475.3), dbSNP rs762241530, ClinGen allele CA10213657.
Genomic context (GRCh38, chr22:36,930,800, plus strand): 5'-ATTCCCGTGCCCGACCCCGCGACCCACGGCCAATACATCGTCTCTGTTCAGCCAAGGAGG[G>A]CAGAGAAACACATAAAGAGCTCAGTGAACAGTGAGTTTGCTCCTAGCCCGCTGTGGGGAT-3'
Protein context (NP_000386.1, residues 318-338): QYIVSVQPRR[Ala328Thr]EKHIKSSVNI

ClinVar aggregate classification (germline): Uncertain significance (1 of 4 stars; one submission).

Allele frequency attached by ClinVar (database versions not stated): gnomAD exomes 0.00002; ExAC 0.00001; gnomAD 0.00002.
gnomAD v4.1: 31 of 1,614,046 alleles (0.0019%); highest among the groups gnomAD compares: East Asian, 0.0045%; no homozygotes.

Submission:

Labcorp Genetics (formerly Invitae), Labcorp
Classification: Uncertain significance. Last evaluated: 2025-03-13. Review status: criteria provided, single submitter. Criteria: Invitae Variant Classification Sherloc (09022015). Collection method: clinical testing. Allele origin: germline.
Comment: This sequence change replaces alanine, which is neutral and non-polar, with threonine, which is neutral and polar, at codon 328 of the CSF2RB protein (p.Ala328Thr). This variant is present in population databases (rs762241530, gnomAD 0.002%). This variant has not been reported in the literature in individuals affected with CSF2RB-related conditions. ClinVar contains an entry for this variant (Variation ID: 2790475). Invitae Evidence Modeling of protein sequence and biophysical properties (such as structural, functional, and spatial information, amino acid conservation, physicochemical variation, residue mobility, and thermodynamic stability) indicates that this missense variant is not expected to disrupt CSF2RB protein function with a negative predictive value of 80%. In summary, the available evidence is currently insufficient to determine the role of this variant in disease. Therefore, it has been classified as a Variant of Uncertain Significance.